The following is an entry in ClinVar:

NM_000264.5(PTCH1):c.4267A>G (p.Arg1423Gly)

Gene: PTCH1 (patched 1; minus strand). Cytogenetic location: 9q22.32.
Variant type: single nucleotide variant.
Coding change: c.4267A>G on transcript NM_000264.5 (MANE Select); coding-DNA position 4267, A replaced by G.
Protein change: p.Arg1423Gly; replaces arginine 1423 with glycine.
Molecular consequence: missense variant. On other transcripts: non-coding transcript variant (1).
Genome position (GRCh38, 1-based): chr9:95,446,989, T>C on the plus strand (A>G on the coding strand, the complement: PTCH1 is on the minus strand). VCF-style: chr9-95446989-T-C. GRCh37 (hg19) VCF-style: chr9-98209271-T-C.
Other names: c.4069A>G, p.Arg1357Gly (NM_001083602.3); c.4264A>G, p.Arg1422Gly (NM_001083603.3); c.3814A>G, p.Arg1272Gly (NM_001083604.3, NM_001083605.3, NM_001083606.3 and 1 more transcripts); c.4111A>G, p.Arg1371Gly (NM_001354918.2); short protein forms R1272G, R1357G, R1371G, R1422G, R1423G.
Identifiers: ClinVar variation 2416142 (VCV002416142.10), dbSNP rs1588509691, ClinGen allele CA374109996.

ClinVar aggregate classification (germline): Uncertain significance. Review status: criteria provided, multiple submitters, no conflicts (2 of 4 stars). 2 submissions from 2 submitters: Uncertain significance (2). Last evaluated 2025-06-19.

Conditions:
Hereditary cancer-predisposing syndrome. Also called: Hereditary neoplastic syndrome; Tumor predisposition; Neoplastic Syndromes, Hereditary; Hereditary Cancer Syndrome. Identifiers: Orphanet 140162, MedGen C0027672, MeSH D009386, MONDO:0015356.
Gorlin syndrome. Also called: Nevoid Basal Cell Carcinoma Syndrome; Basal cell nevus syndrome. Identifiers: Orphanet 377, MedGen C0004779, MONDO:0007187.

Submissions (2):

Ambry Genetics
Classification: Uncertain significance for Hereditary cancer-predisposing syndrome. Last evaluated: 2025-06-19. Review status: criteria provided, single submitter. Criteria: Ambry Variant Classification Scheme 2023. Collection method: clinical testing. Allele origin: germline.
Comment: The p.R1423G variant (also known as c.4267A>G), located in coding exon 23 of the PTCH1 gene, results from an A to G substitution at nucleotide position 4267. The arginine at codon 1423 is replaced by glycine, an amino acid with dissimilar properties. This amino acid position is conserved. In addition, this alteration is predicted to be deleterious by in silico analysis. Based on the available evidence, the clinical significance of this variant remains unclear.

Labcorp Genetics (formerly Invitae), Labcorp
Classification: Uncertain significance for Gorlin syndrome. Last evaluated: 2022-01-13. Review status: criteria provided, single submitter. Criteria: Invitae Variant Classification Sherloc (09022015). Collection method: clinical testing. Allele origin: germline.
Comment: This sequence change replaces arginine, which is basic and polar, with glycine, which is neutral and non-polar, at codon 1423 of the PTCH1 protein (p.Arg1423Gly). This variant is not present in population databases (gnomAD no frequency). This variant has not been reported in the literature in individuals affected with PTCH1-related conditions. Advanced modeling of protein sequence and biophysical properties (such as structural, functional, and spatial information, amino acid conservation, physicochemical variation, residue mobility, and thermodynamic stability) performed at Invitae indicates that this missense variant is not expected to disrupt PTCH1 protein function. In summary, the available evidence is currently insufficient to determine the role of this variant in disease. Therefore, it has been classified as a Variant of Uncertain Significance.